The following is an entry in ClinVar:

NM_025257.3(SLC44A4):c.1852T>C (p.Phe618Leu)

Gene: SLC44A4 (solute carrier family 44 member 4; minus strand). Cytogenetic location: 6p21.33.
Variant type: single nucleotide variant.
Coding change: c.1852T>C on transcript NM_025257.3 (MANE Select); coding-DNA position 1852, T replaced by C.
Protein change: p.Phe618Leu; replaces phenylalanine 618 with leucine.
Molecular consequence: missense variant.
Genome position (GRCh38, 1-based): chr6:31,864,890, A>G on the plus strand (T>C on the coding strand, the complement: SLC44A4 is on the minus strand). VCF-style: chr6-31864890-A-G. GRCh37 (hg19) VCF-style: chr6-31832667-A-G.
Other names: c.1852T>C (NM_025257.2); c.1726T>C, p.Phe576Leu (NM_001178044.2); c.1624T>C, p.Phe542Leu (NM_001178045.2); short protein forms F576L, F542L, F618L.
Identifiers: ClinVar variation 1358902 (VCV001358902.9), dbSNP rs763357405, ClinGen allele CA3725239.

ClinVar aggregate classification (germline): Uncertain significance. Review status: criteria provided, multiple submitters, no conflicts (2 of 4 stars). 4 submissions from 4 submitters: Uncertain significance (4). Last evaluated 2026-05-01.

Conditions:
SLC44A4-related disorder. Also called: SLC44A4-related condition.

Allele frequency attached by ClinVar (database versions not stated): ExAC 0.00002; gnomAD exomes 0.00003 and 0.00008; TOPMed 0.00003; gnomAD 0.00005.
gnomAD v4.1: 129 of 1,613,910 alleles (0.008%); highest among the groups gnomAD compares: Non-Finnish European, 0.0099%; no homozygotes.

Submissions (4):

PreventionGenetics, part of Exact Sciences
Classification: Uncertain significance for SLC44A4-related condition. Last evaluated: 2026-05-01. Review status: criteria provided, single submitter. Criteria: ACMG Guidelines, 2015. Collection method: clinical testing. Allele origin: germline.
Comment: The SLC44A4 c.1852T>C variant is predicted to result in the amino acid substitution p.Phe618Leu. To our knowledge, this variant has not been reported in the literature. This variant is reported in 0.0062% of alleles in individuals of European (Non-Finnish) descent in gnomAD. At this time, the clinical significance of this variant is uncertain due to the absence of conclusive functional and genetic evidence.

Women's Health and Genetics/Laboratory Corporation of America, LabCorp
Classification: Uncertain significance. Last evaluated: 2025-05-05. Review status: criteria provided, single submitter. Criteria: LabCorp Variant Classification Summary - May 2015. Collection method: clinical testing. Allele origin: germline.
Comment: Variant summary: SLC44A4 c.1852T>C (p.Phe618Leu) results in a non-conservative amino acid change in the encoded protein sequence. Algorithms developed to predict the effect of missense changes on protein structure and function are either unavailable or do not agree on the potential impact of this missense change. The variant allele was found at a frequency of 3.2e-05 in 250506 control chromosomes. The available data on variant occurrences in the general population are insufficient to allow any conclusion about variant significance. To our knowledge, no occurrence of c.1852T>C in individuals affected with Hearing Loss, Autosomal Dominant 72 and no experimental evidence demonstrating its impact on protein function have been reported. ClinVar contains an entry for this variant (Variation ID: 1358902). Based on the evidence outlined above, the variant was classified as uncertain significance.

Ambry Genetics
Classification: Uncertain significance. Last evaluated: 2024-11-09. Review status: criteria provided, single submitter. Criteria: Ambry Variant Classification Scheme 2023. Collection method: clinical testing. Allele origin: germline.

Labcorp Genetics (formerly Invitae), Labcorp
Classification: Uncertain significance. Last evaluated: 2022-08-16. Review status: criteria provided, single submitter. Criteria: Invitae Variant Classification Sherloc (09022015). Collection method: clinical testing. Allele origin: germline.
Comment: Algorithms developed to predict the effect of missense changes on protein structure and function are either unavailable or do not agree on the potential impact of this missense change (SIFT: "Not Available"; PolyPhen-2: "Probably Damaging"; Align-GVGD: "Not Available"). ClinVar contains an entry for this variant (Variation ID: 1358902). This variant has not been reported in the literature in individuals affected with SLC44A4-related conditions. This variant is present in population databases (rs763357405, gnomAD 0.005%). This sequence change replaces phenylalanine, which is neutral and non-polar, with leucine, which is neutral and non-polar, at codon 618 of the SLC44A4 protein (p.Phe618Leu). In summary, the available evidence is currently insufficient to determine the role of this variant in disease. Therefore, it has been classified as a Variant of Uncertain Significance.